The following is an entry in ClinVar:

NM_000237.3(LPL):c.1365A>T (p.Lys455Asn)

Gene: LPL (lipoprotein lipase; plus strand). Cytogenetic location: 8p21.3.
Variant type: single nucleotide variant.
Coding change: c.1365A>T on transcript NM_000237.3 (MANE Select); coding-DNA position 1365, A replaced by T.
Protein change: p.Lys455Asn; replaces lysine 455 with asparagine.
Molecular consequence: missense variant.
Genome position (GRCh38, 1-based): chr8:19,962,157, A>T. VCF-style: chr8-19962157-A-T. GRCh37 (hg19) VCF-style: chr8-19819668-A-T.
Other names: short protein forms K455N.
Identifiers: ClinVar variation 1770915 (VCV001770915.2), dbSNP rs2540112528, ClinGen allele CA370639031.

ClinVar aggregate classification (germline): Uncertain significance (1 of 4 stars; one submission).

Conditions:
Cardiovascular phenotype. Identifiers: MedGen CN230736.

Submission:

Ambry Genetics
Classification: Uncertain significance for Cardiovascular phenotype. Last evaluated: 2021-08-05. Review status: criteria provided, single submitter. Criteria: Ambry Variant Classification Scheme 2023. Collection method: clinical testing. Allele origin: germline.
Comment: The p.K455N variant (also known as c.1365A>T), located in coding exon 9 of the LPL gene, results from an A to T substitution at nucleotide position 1365. The lysine at codon 455 is replaced by asparagine, an amino acid with similar properties. This amino acid position is conserved. In addition, this alteration is predicted to be tolerated by in silico analysis. Since supporting evidence is limited at this time, the clinical significance of this alteration remains unclear.